The following is an entry in ClinVar:

ClinVar aggregate classification (germline): Uncertain significance (1 of 4 stars; one submission).

Submission:

Mayo Clinic Laboratories, Mayo Clinic
Classification: Uncertain significance. Last evaluated: 2024-05-20. Review status: criteria provided, single submitter. Criteria: ACMG Guidelines, 2015. Collection method: clinical testing. Allele origin: germline. Observed: 1 variant allele.
Comment: PP3, PM1_supporting, PM2_moderate

NM_030773.4(TUBB1):c.413C>T (p.Ser138Phe)

Gene: TUBB1 (tubulin beta 1 class VI; plus strand). Cytogenetic location: 20q13.32.
Variant type: single nucleotide variant.
Coding change: c.413C>T on transcript NM_030773.4 (MANE Select); coding-DNA position 413, C replaced by T.
Protein change: p.Ser138Phe; replaces serine 138 with phenylalanine.
Molecular consequence: missense variant.
Genome position (GRCh38, 1-based): chr20:59,023,840, C>T. VCF-style: chr20-59023840-C-T. GRCh37 (hg19) VCF-style: chr20-57598895-C-T.
Other names: p.Ser138Phe; short protein forms S138F.
Identifiers: ClinVar variation 3380665 (VCV003380665.1).